The following is an entry in ClinVar:

ClinVar aggregate classification (germline): Conflicting classifications of pathogenicity. Review status: criteria provided, conflicting classifications (1 of 4 stars). 8 submissions from 8 submitters: Uncertain significance (1); Benign (2); Likely benign (5). Last evaluated 2026-01-28.

Conditions:
Inborn genetic diseases. Identifiers: MedGen C0950123, MeSH D030342.
Cornelia de Lange syndrome 3 (CDLS3). Also called: SMC3-Related Cornelia de Lange Syndrome; CORNELIA DE LANGE SYNDROME 3 WITH OR WITHOUT MIDLINE BRAIN DEFECTS. Identifiers: Orphanet 199, MedGen C1853099, MONDO:0012555, OMIM 610759.

Allele frequency attached by ClinVar (database versions not stated): gnomAD exomes 0.00110 and 0.00187; ESP Exome Variant Server 0.00123; gnomAD 0.00133 and 0.00135; 1000 Genomes Project 30x 0.00047; 1000 Genomes Project 0.00060; ExAC 0.00103; TOPMed 0.00136.
gnomAD v4.1: 2,913 of 1,613,688 alleles (0.18%); highest among the groups gnomAD compares: Non-Finnish European, 0.22%; 4 homozygotes.

Submissions (8):

Labcorp Genetics (formerly Invitae), Labcorp
Classification: Benign for Cornelia de Lange syndrome 3. Last evaluated: 2026-01-28. Review status: criteria provided, single submitter. Criteria: Invitae Variant Classification Sherloc (09022015). Collection method: clinical testing. Allele origin: germline.

CeGaT Center for Human Genetics Tuebingen
Classification: Likely benign. Last evaluated: 2025-12-01. Review status: criteria provided, single submitter. Criteria: CeGaT Center For Human Genetics Tuebingen Variant Classification Criteria Version 2. Collection method: clinical testing. Allele origin: germline. Affected: yes. Observed: 7 variant alleles.
Comment: SMC3: BP4, BP7, BS1

Blueprint Genetics
Classification: Likely benign. Last evaluated: 2024-11-26. Review status: criteria provided, single submitter. Criteria: ACMG Guidelines, 2015. Collection method: clinical testing. Allele origin: germline.

Illumina Laboratory Services, Illumina
Classification: Benign for Cornelia de Lange syndrome 3. Last evaluated: 2018-01-13. Review status: criteria provided, single submitter. Criteria: ICSL Variant Classification Criteria 13 December 2019. Collection method: clinical testing. Allele origin: germline.
Comment: This variant was observed in the ICSL laboratory as part of a predisposition screen in an ostensibly healthy population. It had not been previously curated by ICSL or reported in the Human Gene Mutation Database (HGMD: prior to June 1st, 2018), and was therefore a candidate for classification through an automated scoring system. Utilizing variant allele frequency, disease prevalence and penetrance estimates, and inheritance mode, an automated score was calculated to assess if this variant is too frequent to cause the disease. Based on the score and internal cut-off values, a variant classified as benign is not then subjected to further curation. The score for this variant resulted in a classification of benign for this disease.

GeneDx
Classification: Likely benign. Last evaluated: 2017-12-29. Review status: criteria provided, single submitter. Criteria: GeneDx Variant Classification (06012015). Collection method: clinical testing. Allele origin: germline. Affected: yes.
Comment: This variant is considered likely benign or benign based on one or more of the following criteria: it is a conservative change, it occurs at a poorly conserved position in the protein, it is predicted to be benign by multiple in silico algorithms, and/or has population frequency not consistent with disease.

Eurofins Ntd Llc (ga)
Classification: Likely benign. Last evaluated: 2017-10-15. Review status: criteria provided, single submitter. Criteria: EGL Classification Definitions 2015. Collection method: clinical testing. Allele origin: germline. Observed: 2 variant alleles, 2 heterozygotes.

Ambry Genetics
Classification: Likely benign for Inborn genetic diseases. Last evaluated: 2017-05-31. Review status: criteria provided, single submitter. Criteria: Ambry Variant Classification Scheme 2023. Collection method: clinical testing. Allele origin: germline.

Genetic Services Laboratory, University of Chicago
Classification: Uncertain significance for Cornelia de Lange syndrome 3. Last evaluated: 2013-06-19. Review status: criteria provided, single submitter. Criteria: ACMG Guidelines, 2007. Collection method: clinical testing. Allele origin: germline. Inheritance: Autosomal dominant inheritance.

NM_005445.4(SMC3):c.2934G>A (p.Lys978=)

Gene: SMC3 (structural maintenance of chromosomes 3; plus strand). Cytogenetic location: 10q25.2.
Variant type: single nucleotide variant.
Coding change: c.2934G>A on transcript NM_005445.4 (MANE Select); coding-DNA position 2934, G replaced by A.
Protein change: p.Lys978=; no amino-acid change (lysine 978 retained).
Molecular consequence: synonymous variant.
Genome position (GRCh38, 1-based): chr10:110,602,007, G>A. VCF-style: chr10-110602007-G-A. GRCh37 (hg19) VCF-style: chr10-112361765-G-A.
Identifiers: ClinVar variation 159983 (VCV000159983.52), dbSNP rs147463420, ClinGen allele CA272629.
Genomic context (GRCh38, chr10:110,602,007, plus strand): 5'-ACATATTTTCTCTTTATAGTTGTTTCGAAAACTTGAGCAGTGCAACACAGAATTAAAGAA[G>A]TACAGCCATGTTAACAAAAAGGCTTTGGATCAGTTTGTAAATTTCTCCGAGCAGAAAGAA-3'
Protein context (NP_005436.1, residues 968-988): KLEQCNTELK[Lys978=]YSHVNKKALD